The following is an entry in ClinVar:

ClinVar aggregate classification (germline): Uncertain significance (1 of 4 stars; one submission).

Submission:

GeneDx
Classification: Uncertain significance. Last evaluated: 2022-07-21. Review status: criteria provided, single submitter. Criteria: GeneDx Variant Classification Process June 2021. Collection method: clinical testing. Allele origin: germline. Affected: yes.
Comment: Not observed at significant frequency in large population cohorts (gnomAD); In silico analysis supports that this missense variant has a deleterious effect on protein structure/function; Has not been previously published as pathogenic or benign to our knowledge

NM_001354604.2(MITF):c.850A>C (p.Asn284His)

Gene: MITF (melanocyte inducing transcription factor; plus strand). Cytogenetic location: 3p13.
Variant type: single nucleotide variant.
Coding change: c.850A>C on transcript NM_001354604.2 (MANE Select); coding-DNA position 850, A replaced by C.
Protein change: p.Asn284His; replaces asparagine 284 with histidine.
Molecular consequence: missense variant.
Genome position (GRCh38, 1-based): chr3:69,949,138, A>C. VCF-style: chr3-69949138-A-C. GRCh37 (hg19) VCF-style: chr3-69998289-A-C.
Other names: c.529A>C, p.Asn177His (NM_000248.4, NM_198158.3); c.694A>C, p.Asn232His (NM_001184967.2, NM_001354608.2); c.847A>C, p.Asn283His (NM_001354605.2, NM_001354606.2, NM_006722.3); c.799A>C, p.Asn267His (NM_001354607.2); c.850A>C, p.Asn284His (NM_198159.3); c.802A>C, p.Asn268His (NM_198177.3); c.361A>C, p.Asn121His (NM_198178.3); short protein forms N267H, N268H, N283H, N284H, N177H, N232H, N121H.
Identifiers: ClinVar variation 2136117 (VCV002136117.1), dbSNP rs2471621326, ClinGen allele CA353561415.